The following is an entry in ClinVar:

NM_003036.4(SKI):c.-49G>T

Gene: SKI (SKI proto-oncogene; plus strand). Cytogenetic location: 1p36.33.
Variant type: single nucleotide variant.
Coding change: c.-49G>T on transcript NM_003036.4 (MANE Select); 49 bases upstream of the start codon, G replaced by T.
Molecular consequence: 5 prime UTR variant.
Genome position (GRCh38, 1-based): chr1:2,228,718, G>T. VCF-style: chr1-2228718-G-T. GRCh37 (hg19) VCF-style: chr1-2160157-G-T.
Identifiers: ClinVar variation 508030 (VCV000508030.1), dbSNP rs866291734, ClinGen allele CA16871326.

ClinVar aggregate classification (germline): Likely benign (1 of 4 stars; one submission).

Allele frequency attached by ClinVar (database versions not stated): gnomAD 0.00007 and 0.00009; gnomAD exomes 0.01087.

Submission:

GeneDx
Classification: Likely benign. Last evaluated: 2018-03-07. Review status: criteria provided, single submitter. Criteria: GeneDx Variant Classification (06012015). Collection method: clinical testing. Allele origin: germline. Affected: yes.
Comment: This variant is considered likely benign or benign based on one or more of the following criteria: it is a conservative change, it occurs at a poorly conserved position in the protein, it is predicted to be benign by multiple in silico algorithms, and/or has population frequency not consistent with disease.